The following is an entry in ClinVar:

ClinVar aggregate classification (germline): Uncertain significance. Review status: criteria provided, multiple submitters, no conflicts (2 of 4 stars). 2 submissions from 2 submitters: Uncertain significance (2). Last evaluated 2022-01-07.

Conditions:
Diffuse cerebral and cerebellar atrophy - intractable seizures - progressive microcephaly syndrome. Also called: Microcephaly, progressive, with seizures and cerebral and cerebellar atrophy. Identifiers: Orphanet 404437, MedGen C4014239, MONDO:0014335, OMIM 615760.
Inborn genetic diseases. Identifiers: MedGen C0950123, MeSH D030342.

Allele frequency attached by ClinVar (database versions not stated): ExAC 0.00001; gnomAD exomes below 0.00001; TOPMed 0.00001; gnomAD 0.00001.
gnomAD v4.1: 4 of 1,614,088 alleles (0.00025%); highest among the groups gnomAD compares: Middle Eastern, 0.033%; no homozygotes.

Submissions (2):

Ambry Genetics
Classification: Uncertain significance for Inborn genetic diseases. Last evaluated: 2022-01-07. Review status: criteria provided, single submitter. Criteria: Ambry Variant Classification Scheme 2023. Collection method: clinical testing. Allele origin: germline.

Labcorp Genetics (formerly Invitae), Labcorp
Classification: Uncertain significance for Diffuse cerebral and cerebellar atrophy - intractable seizures - progressive microcephaly syndrome. Last evaluated: 2020-01-27. Review status: criteria provided, single submitter. Criteria: Invitae Variant Classification Sherloc (09022015). Collection method: clinical testing. Allele origin: germline.
Comment: This variant has not been reported in the literature in individuals with QARS-related disease. Algorithms developed to predict the effect of missense changes on protein structure and function do not agree on the potential impact of this missense change (SIFT: "Deleterious"; PolyPhen-2: "Possibly Damaging"; Align-GVGD: "Class C0"). In summary, the available evidence is currently insufficient to determine the role of this variant in disease. Therefore, it has been classified as a Variant of Uncertain Significance. This variant is present in population databases (rs748978904, ExAC 0.01%). This sequence change replaces valine with leucine at codon 658 of the QARS protein (p.Val658Leu). The valine residue is highly conserved and there is a small physicochemical difference between valine and leucine.

NM_005051.3(QARS1):c.1972G>C (p.Val658Leu)

Gene: QARS1 (glutaminyl-tRNA synthetase 1; minus strand). Cytogenetic location: 3p21.31.
Variant type: single nucleotide variant.
Coding change: c.1972G>C on transcript NM_005051.3 (MANE Select); coding-DNA position 1972, G replaced by C.
Protein change: p.Val658Leu; replaces valine 658 with leucine.
Molecular consequence: missense variant. On other transcripts: non-coding transcript variant (1).
Genome position (GRCh38, 1-based): chr3:49,098,465, C>G on the plus strand (G>C on the coding strand, the complement: QARS1 is on the minus strand). VCF-style: chr3-49098465-C-G. GRCh37 (hg19) VCF-style: chr3-49135898-C-G.
Other names: c.1939G>C, p.Val647Leu (NM_001272073.2); c.1972G>C (NM_005051.1); short protein forms V658L, V647L.
Identifiers: ClinVar variation 544135 (VCV000544135.8), dbSNP rs748978904, ClinGen allele CA2391559.